The following is an entry in ClinVar:

NM_001710.6(CFB):c.1159A>G (p.Met387Val)

Gene: CFB (complement factor B; plus strand). Cytogenetic location: 6p21.33.
Variant type: single nucleotide variant.
Coding change: c.1159A>G on transcript NM_001710.6 (MANE Select); coding-DNA position 1159, A replaced by G.
Protein change: p.Met387Val; replaces methionine 387 with valine.
Molecular consequence: missense variant.
Genome position (GRCh38, 1-based): chr6:31,948,952, A>G. VCF-style: chr6-31948952-A-G. GRCh37 (hg19) VCF-style: chr6-31916729-A-G.
Other names: short protein forms M387V.
Identifiers: ClinVar variation 4712096 (VCV004712096.1).
Genomic context (GRCh38, chr6:31,948,952, plus strand): 5'-AGCTGGCCAGATGACGTCCCTCCTGAAGGCTGGAACCGCACCCGCCATGTCATCATCCTC[A>G]TGACTGATGGTCAGAAGGGACCTCTCTCCTGTCCCAGCCTCCCCACCTTCTCAGACCAGC-3'
Protein context (NP_001701.2, residues 377-397): WNRTRHVIIL[Met387Val]TDGLHNMGGD

ClinVar aggregate classification (germline): Uncertain significance (1 of 4 stars; one submission).

Submission:

Labcorp Genetics (formerly Invitae), Labcorp
Classification: Uncertain significance. Last evaluated: 2025-10-12. Review status: criteria provided, single submitter. Criteria: Invitae Variant Classification Sherloc (09022015). Collection method: clinical testing. Allele origin: germline.
Comment: This sequence change replaces methionine, which is neutral and non-polar, with valine, which is neutral and non-polar, at codon 387 of the CFB protein (p.Met387Val). This variant is not present in population databases (gnomAD no frequency). This variant has not been reported in the literature in individuals affected with CFB-related conditions. Invitae Evidence Modeling of protein sequence and biophysical properties (such as structural, functional, and spatial information, amino acid conservation, physicochemical variation, residue mobility, and thermodynamic stability) indicates that this missense variant is not expected to disrupt CFB protein function with a negative predictive value of 80%. In summary, the available evidence is currently insufficient to determine the role of this variant in disease. Therefore, it has been classified as a Variant of Uncertain Significance.